The following is an entry in ClinVar:

ClinVar aggregate classification (germline): Conflicting classifications of pathogenicity. Review status: criteria provided, conflicting classifications (1 of 4 stars). 12 submissions from 10 submitters: Uncertain significance (8); Likely benign (1). 3 of the submissions do not count toward it. Last evaluated 2025-09-10.

Conditions:
WHRN-related disorder. Also called: WHRN-related condition.
Usher syndrome type 2D. Also called: USHER SYNDROME, TYPE IID. Identifiers: Orphanet 231178, Orphanet 886, MedGen C1568249, MONDO:0012662, OMIM 611383.
Autosomal recessive nonsyndromic hearing loss 31. Also called: WHIRLER, MOUSE, HOMOLOG OF. Identifiers: Orphanet 90636, MedGen C1846839, MONDO:0011767, OMIM 607084.
Hearing impairment. Also called: Impaired Hearing. Identifiers: MedGen C1384666, MONDO:0005365, HP:0000365.

Allele frequency attached by ClinVar (database versions not stated): gnomAD 0.00065 and 0.00067; TOPMed 0.00065; ESP Exome Variant Server 0.00092; ExAC 0.00142.
gnomAD v4.1: 1,547 of 1,611,568 alleles (0.096%); highest among the groups gnomAD compares: Non-Finnish European, 0.12%; 3 homozygotes.

Submissions (12):

GeneDx
Classification: Uncertain significance. Last evaluated: 2025-09-10. Review status: criteria provided, single submitter. Criteria: GeneDx Variant Classification Process June 2021. Collection method: clinical testing. Allele origin: germline. Affected: yes.
Comment: In silico analysis supports that this missense variant has a deleterious effect on protein structure/function; This variant is associated with the following publications: (PMID: 34753855)

Blueprint Genetics
Classification: Likely benign. Last evaluated: 2024-10-11. Review status: criteria provided, single submitter. Criteria: ACMG Guidelines, 2015. Collection method: clinical testing. Allele origin: germline.

Labcorp Genetics (formerly Invitae), Labcorp
Classification: Uncertain significance. Last evaluated: 2022-10-25. Review status: criteria provided, single submitter. Criteria: Invitae Variant Classification Sherloc (09022015). Collection method: clinical testing. Allele origin: germline.
Comment: This sequence change replaces proline, which is neutral and non-polar, with arginine, which is basic and polar, at codon 676 of the WHRN protein (p.Pro676Arg). This variant is present in population databases (rs139279977, gnomAD 0.2%), and has an allele count higher than expected for a pathogenic variant. This variant has not been reported in the literature in individuals affected with WHRN-related conditions. ClinVar contains an entry for this variant (Variation ID: 203387). Algorithms developed to predict the effect of missense changes on protein structure and function are either unavailable or do not agree on the potential impact of this missense change (SIFT: "Tolerated"; PolyPhen-2: "Possibly Damaging"; Align-GVGD: "Class C0"). In summary, the available evidence is currently insufficient to determine the role of this variant in disease. Therefore, it has been classified as a Variant of Uncertain Significance.

Department of Otolaryngology – Head & Neck Surgery, Cochlear Implant Center
Classification: Uncertain significance for Hearing impairment. Last evaluated: 2021-04-12. Review status: criteria provided, single submitter. Criteria: ClinGen HL ACMG Specifications v1. Collection method: clinical testing. Allele origin: germline. Affected: yes.
Comment: BP4_Supporting

Illumina Laboratory Services, Illumina
Classification: Uncertain significance for Usher syndrome type 2D. Last evaluated: 2018-01-12. Review status: criteria provided, single submitter. Criteria: ICSL Variant Classification Criteria 13 December 2019. Collection method: clinical testing. Allele origin: germline.

Illumina Laboratory Services, Illumina
Classification: Uncertain significance for Autosomal recessive nonsyndromic hearing loss 31. Last evaluated: 2018-01-12. Review status: criteria provided, single submitter. Criteria: ICSL Variant Classification Criteria 13 December 2019. Collection method: clinical testing. Allele origin: germline.

CeGaT Center for Human Genetics Tuebingen
Classification: Uncertain significance. Last evaluated: 2016-07-01. Review status: criteria provided, single submitter. Criteria: CeGaT Center For Human Genetics Tuebingen Variant Classification Criteria Version 2. Collection method: clinical testing. Allele origin: germline. Affected: yes. Observed: 1 variant allele.

Genomic Diagnostic Laboratory, Division of Genomic Diagnostics, Children's Hospital of Philadelphia
Classification: Uncertain significance. Last evaluated: 2015-11-10. Review status: criteria provided, single submitter. Criteria: DGD Variant Analysis Guidelines. Collection method: clinical testing. Allele origin: unknown.

Laboratory for Molecular Medicine, Mass General Brigham Personalized Medicine
Classification: Uncertain significance. Last evaluated: 2015-09-03. Review status: criteria provided, single submitter. Criteria: LMM Criteria. Collection method: clinical testing. Allele origin: germline. Observed: 1 variant allele.
Comment: Variant classified as Uncertain Significance - Favor Benign. The p.Pro676Arg var iant in DFNB31 has not been previously reported in individuals with hearing loss , but has been identified in 0.24 % (159/66274) of European chromosomes by the E xome Aggregation Consortium (ExAC; rs139279977). Although this variant has been seen in the general population, its frequency is not high enough to rule out a pathogenic role. Computational prediction tools a nd conservation analysis do not provide strong support for or against an impact to the protein. In summary, while the clinical significance of the p.Pro676Arg variant is uncertain, its frequency in the general population suggests that it i s more likely to be benign.

PreventionGenetics, part of Exact Sciences
Classification: Likely benign for WHRN-related condition. Last evaluated: 2022-06-16. Review status: no assertion criteria provided. Collection method: clinical testing. Allele origin: germline. Not counted in ClinVar's aggregate classification.
Comment: This variant is classified as likely benign based on ACMG/AMP sequence variant interpretation guidelines (Richards et al. 2015 PMID: 25741868, with internal and published modifications).

Division of Human Genetics, Children's Hospital of Philadelphia
Classification: Uncertain significance for Usher syndrome type 2D. Last evaluated: 2015-02-03. Review status: no assertion criteria provided. Collection method: research. Allele origin: germline. Affected: yes. Study: CSER-PediSeq. Not counted in ClinVar's aggregate classification.
Comment: This variant (NM_015404.3:c.2027C>G;p.P676R) is considered a variant of uncertain significance, as it has not been reported in the literature; however, it is seen in 172 out of 12,2058 alleles in ExAC with no homozygotes. The amino acid is not in a functional domain.

Division of Human Genetics, Children's Hospital of Philadelphia
Classification: Uncertain significance for autosomal recessive deafness 31. Last evaluated: 2015-02-03. Review status: no assertion criteria provided. Collection method: research. Allele origin: germline. Affected: yes. Study: CSER-PediSeq. Not counted in ClinVar's aggregate classification.
Comment: the same text as in the submission from Division of Human Genetics, Children's Hospital of Philadelphia above.

NM_015404.4(WHRN):c.2027C>G (p.Pro676Arg)

Gene: WHRN (whirlin; minus strand). Cytogenetic location: 9q32.
Variant type: single nucleotide variant.
Coding change: c.2027C>G on transcript NM_015404.4 (MANE Select); coding-DNA position 2027, C replaced by G.
Protein change: p.Pro676Arg; replaces proline 676 with arginine.
Molecular consequence: missense variant.
Genome position (GRCh38, 1-based): chr9:114,406,564, G>C on the plus strand (C>G on the coding strand, the complement: WHRN is on the minus strand). VCF-style: chr9-114406564-G-C. GRCh37 (hg19) VCF-style: chr9-117168844-G-C.
Other names: c.878C>G, p.Pro293Arg (NM_001083885.3); c.2027C>G, p.Pro676Arg (NM_001173425.2); c.974C>G, p.Pro325Arg (NM_001346890.1); short protein forms P676R, P293R, P325R.
Identifiers: ClinVar variation 203387 (VCV000203387.63), dbSNP rs139279977, ClinGen allele CA275518.